The following is an entry in ClinVar:

NM_006218.4(PIK3CA):c.3074C>A (p.Thr1025Asn)

Gene: PIK3CA (phosphatidylinositol-4,5-bisphosphate 3-kinase catalytic subunit alpha; plus strand). Cytogenetic location: 3q26.32.
Variant type: single nucleotide variant.
Coding change: c.3074C>A on transcript NM_006218.4 (MANE Select); coding-DNA position 3074, C replaced by A.
Protein change: p.Thr1025Asn; replaces threonine 1025 with asparagine.
Molecular consequence: missense variant.
Genome position (GRCh38, 1-based): chr3:179,234,231, C>A. VCF-style: chr3-179234231-C-A. GRCh37 (hg19) VCF-style: chr3-178952019-C-A.
Other names: short protein forms T1025N.
Identifiers: ClinVar variation 2633421 (VCV002633421.1), dbSNP rs1553826166, ClinGen allele CA355285537.

ClinVar aggregate classification (germline): Likely pathogenic (1 of 4 stars; one submission).

Conditions:
PIK3CA-related disorder. Also called: PIK3CA-related disorders; PIK3CA- related disease; PIK3CA-related condition.

Submission:

PreventionGenetics, part of Exact Sciences
Classification: Likely pathogenic for PIK3CA-related condition. Last evaluated: 2023-03-24. Review status: criteria provided, single submitter. Criteria: ACMG Guidelines, 2015. Collection method: clinical testing. Allele origin: germline.
Comment: The PIK3CA c.3074C>A variant is predicted to result in the amino acid substitution p.Thr1025Asn. This variant was reported to be de novo and apparently constitutional in an individual with megalencephaly (Kuentz et al 2017. PubMed ID: 28151489). A different missense variant affecting the same amino acid (p.Thr1025Ala) was reported to be de novo and mosaic in an individual with megalencephaly-capillary malformation syndrome (Rivière et al. 2012. PubMed ID: 22729224 ). The c.3074C>A (p.Thr1025Asn) variant has not been reported in a large population database, indicating it is rare. This variant is interpreted as likely pathogenic.